The following is an entry in ClinVar:

ClinVar aggregate classification (germline): Uncertain significance. Review status: criteria provided, multiple submitters, no conflicts (2 of 4 stars). 2 submissions from 2 submitters: Uncertain significance (2). Last evaluated 2025-01-09.

Conditions:
Inborn genetic diseases. Identifiers: MedGen C0950123, MeSH D030342.

Allele frequency attached by ClinVar (database versions not stated): ExAC 0.00001; gnomAD exomes 0.00001.
gnomAD v4.1: 9 of 1,613,896 alleles (0.00056%); highest among the groups gnomAD compares: Non-Finnish European, 0.00076%; no homozygotes.

Submissions (2):

Ambry Genetics
Classification: Uncertain significance for Inborn genetic diseases. Last evaluated: 2025-01-09. Review status: criteria provided, single submitter. Criteria: Ambry Variant Classification Scheme 2023. Collection method: clinical testing. Allele origin: germline.

Labcorp Genetics (formerly Invitae), Labcorp
Classification: Uncertain significance. Last evaluated: 2021-08-31. Review status: criteria provided, single submitter. Criteria: Invitae Variant Classification Sherloc (09022015). Collection method: clinical testing. Allele origin: germline.
Comment: This sequence change replaces isoleucine with phenylalanine at codon 1229 of the CDH23 protein (p.Ile1229Phe). The isoleucine residue is highly conserved and there is a small physicochemical difference between isoleucine and phenylalanine. This variant is present in population databases (rs775842667, ExAC 0.002%). This variant has not been reported in the literature in individuals affected with CDH23-related conditions. Algorithms developed to predict the effect of missense changes on protein structure and function are either unavailable or do not agree on the potential impact of this missense change (SIFT: "Deleterious"; PolyPhen-2: "Not Available"; Align-GVGD: "Class C0"). In summary, the available evidence is currently insufficient to determine the role of this variant in disease. Therefore, it has been classified as a Variant of Uncertain Significance.

NM_022124.6(CDH23):c.3685A>T (p.Ile1229Phe)

Genes: C10orf105 (chromosome 10 open reading frame 105; minus strand), CDH23 (cadherin related 23; plus strand). Cytogenetic location: 10q22.1.
Variant type: single nucleotide variant.
Coding change: c.3685A>T on transcript NM_022124.6 (MANE Select); coding-DNA position 3685, A replaced by T.
Protein change: p.Ile1229Phe; replaces isoleucine 1229 with phenylalanine.
Molecular consequence: missense variant. On other transcripts: intron variant (1).
Genome position (GRCh38, 1-based): chr10:71,730,574, A>T. VCF-style: chr10-71730574-A-T. GRCh37 (hg19) VCF-style: chr10-73490331-A-T.
Other names: c.3685A>T, p.Ile1229Phe (NM_001171930.2); c.-6+7154T>A (NM_001168390.2); short protein forms I1229F.
Identifiers: ClinVar variation 1016723 (VCV001016723.8), dbSNP rs775842667, ClinGen allele CA5544804.